The following is an entry in ClinVar:

ClinVar aggregate classification (germline): Benign. Review status: criteria provided, multiple submitters, no conflicts (2 of 4 stars). 4 submissions from 4 submitters: Benign (4). Last evaluated 2026-02-02.

Conditions:
Autosomal recessive distal renal tubular acidosis. Identifiers: Orphanet 402041, MedGen C1864498, MONDO:0018440.

Allele frequency attached by ClinVar (database versions not stated): gnomAD exomes 0.00591; ExAC 0.00681; TOPMed 0.00999; ESP Exome Variant Server 0.01030; gnomAD 0.01096; 1000 Genomes Project 30x 0.01733; 1000 Genomes Project 0.01757.
gnomAD v4.1: 5,820 of 1,614,032 alleles (0.36%); highest among the groups gnomAD compares: African/African-American, 3.5%; 113 homozygotes.

Submissions (4):

Labcorp Genetics (formerly Invitae), Labcorp
Classification: Benign. Last evaluated: 2026-02-02. Review status: criteria provided, single submitter. Criteria: Invitae Variant Classification Sherloc (09022015). Collection method: clinical testing. Allele origin: germline.

Mayo Clinic Laboratories, Mayo Clinic
Classification: Benign. Last evaluated: 2025-08-22. Review status: criteria provided, single submitter. Criteria: ACMG Guidelines, 2015. Collection method: clinical testing. Allele origin: germline. Observed: 1 variant allele.
Comment: BS1, BS2, BP4, BP7

Illumina Laboratory Services, Illumina
Classification: Benign for Renal tubular acidosis, distal, 3, with or without sensorineural hearing loss. Last evaluated: 2018-01-13. Review status: criteria provided, single submitter. Criteria: ICSL Variant Classification Criteria 13 December 2019. Collection method: clinical testing. Allele origin: germline.
Comment: This variant was observed in the ICSL laboratory as part of a predisposition screen in an ostensibly healthy population. It had not been previously curated by ICSL or reported in the Human Gene Mutation Database (HGMD: prior to June 1st, 2018), and was therefore a candidate for classification through an automated scoring system. Utilizing variant allele frequency, disease prevalence and penetrance estimates, and inheritance mode, an automated score was calculated to assess if this variant is too frequent to cause the disease. Based on the score and internal cut-off values, a variant classified as benign is not then subjected to further curation. The score for this variant resulted in a classification of benign for this disease.

Breakthrough Genomics
Classification: Benign. Review status: criteria provided, single submitter. Criteria: ACMG Guidelines, 2015. Collection method: not provided. Allele origin: germline. Inheritance: Autosomal recessive inheritance. Affected: yes.

NM_020632.3(ATP6V0A4):c.2307G>A (p.Thr769=)

Gene: ATP6V0A4 (ATPase H+ transporting V0 subunit a4; minus strand). Cytogenetic location: 7q34.
Variant type: single nucleotide variant.
Coding change: c.2307G>A on transcript NM_020632.3 (MANE Select); coding-DNA position 2307, G replaced by A.
Protein change: p.Thr769=; no amino-acid change (threonine 769 retained).
Molecular consequence: synonymous variant.
Genome position (GRCh38, 1-based): chr7:138,709,746, C>T on the plus strand (G>A on the coding strand, the complement: ATP6V0A4 is on the minus strand). VCF-style: chr7-138709746-C-T. GRCh37 (hg19) VCF-style: chr7-138394491-C-T.
Other names: p.Thr769=; c.2307G>A, p.Thr769= (NM_130840.3, NM_130841.3).
Identifiers: ClinVar variation 359006 (VCV000359006.16), dbSNP rs61747677, ClinGen allele CA4504454.